The following is an entry in ClinVar:

NM_000271.5(NPC1):c.749A>G (p.Lys250Arg)

Gene: NPC1 (NPC intracellular cholesterol transporter 1; minus strand). Cytogenetic location: 18q11.2.
Variant type: single nucleotide variant.
Coding change: c.749A>G on transcript NM_000271.5 (MANE Select); coding-DNA position 749, A replaced by G.
Protein change: p.Lys250Arg; replaces lysine 250 with arginine.
Molecular consequence: missense variant.
Genome position (GRCh38, 1-based): chr18:23,560,363, T>C on the plus strand (A>G on the coding strand, the complement: NPC1 is on the minus strand). VCF-style: chr18-23560363-T-C. GRCh37 (hg19) VCF-style: chr18-21140327-T-C.
Other names: short protein forms K250R.
Identifiers: ClinVar variation 3623712 (VCV003623712.2).
Genomic context (GRCh38, chr18:23,560,363, plus strand): 5'-ACATACATGGCGTCCAAGCCAAGGATCGTCCAGGGAGCAGGAGGAGGTGGGGGCTGGGGC[T>C]TGGGGCCACAGACAATAGAGCAGTCTTGGCAGCTACATGGTGCTGTGACCTCATCCACAG-3'
Protein context (NP_000262.2, residues 240-260): CQDCSIVCGP[Lys250Arg]PQPPPPPAPW

ClinVar aggregate classification (germline): Uncertain significance (1 of 4 stars; one submission).

Conditions:
Niemann-Pick disease, type C1. Also called: NIEMANN-PICK DISEASE, VARIANT TYPE C1; NEUROVISCERAL STORAGE DISEASE WITH VERTICAL SUPRANUCLEAR OPHTHALMOPLEGIA; NIEMANN-PICK DISEASE WITH CHOLESTEROL ESTERIFICATION BLOCK; NIEMANN-PICK DISEASE WITHOUT SPHINGOMYELINASE DEFICIENCY; NIEMANN-PICK DISEASE, CHRONIC NEURONOPATHIC FORM. Identifiers: Orphanet 646, MedGen C3179455, MONDO:0009757, OMIM 257220.

Submission:

Labcorp Genetics (formerly Invitae), Labcorp
Classification: Uncertain significance for Niemann-Pick disease, type C1. Last evaluated: 2024-12-24. Review status: criteria provided, single submitter. Criteria: Invitae Variant Classification Sherloc (09022015). Collection method: clinical testing. Allele origin: germline.
Comment: This sequence change replaces lysine, which is basic and polar, with arginine, which is basic and polar, at codon 250 of the NPC1 protein (p.Lys250Arg). This variant is not present in population databases (gnomAD no frequency). This variant has not been reported in the literature in individuals affected with NPC1-related conditions. An algorithm developed to predict the effect of missense changes on protein structure and function outputs the following: PolyPhen-2: "Benign". The arginine amino acid residue is found in multiple mammalian species, which suggests that this missense change does not adversely affect protein function. In summary, the available evidence is currently insufficient to determine the role of this variant in disease. Therefore, it has been classified as a Variant of Uncertain Significance.